The following is an entry in ClinVar:

NM_001042492.3(NF1):c.418G>A (p.Gly140Arg)

Gene: NF1 (neurofibromin 1; plus strand). Cytogenetic location: 17q11.2.
Variant type: single nucleotide variant.
Coding change: c.418G>A on transcript NM_001042492.3 (MANE Select); coding-DNA position 418, G replaced by A.
Protein change: p.Gly140Arg; replaces glycine 140 with arginine.
Molecular consequence: missense variant.
Genome position (GRCh38, 1-based): chr17:31,163,315, G>A. VCF-style: chr17-31163315-G-A. GRCh37 (hg19) VCF-style: chr17-29490333-G-A.
Other names: c.418G>A, p.Gly140Arg (NM_000267.4, NM_001128147.3); short protein forms G140R.
Identifiers: ClinVar variation 954180 (VCV000954180.6), dbSNP rs2065794781, ClinGen allele CA398981905.

ClinVar aggregate classification (germline): Uncertain significance (1 of 4 stars; one submission).

Conditions:
Neurofibromatosis, type 1 (NF1). Also called: VON RECKLINGHAUSEN DISEASE; NEUROFIBROMATOSIS, TYPE I, SOMATIC; Peripheral type neurofibromatosis; Neurofibromatosis, type I. Identifiers: Orphanet 636, MedGen C0027831, MONDO:0018975, OMIM 162200. Disease mechanism: loss of function.

Submission:

Labcorp Genetics (formerly Invitae), Labcorp
Classification: Uncertain significance for Neurofibromatosis, type 1. Last evaluated: 2019-10-12. Review status: criteria provided, single submitter. Criteria: Invitae Variant Classification Sherloc (09022015). Collection method: clinical testing. Allele origin: germline.
Comment: Algorithms developed to predict the effect of missense changes on protein structure and function are either unavailable or do not agree on the potential impact of this missense change (SIFT: "Tolerated"; PolyPhen-2: "Possibly Damaging"; Align-GVGD: "Class C0"). This sequence change replaces glycine with arginine at codon 140 of the NF1 protein (p.Gly140Arg). The glycine residue is moderately conserved and there is a moderate physicochemical difference between glycine and arginine. This variant is not present in population databases (ExAC no frequency). This variant has not been reported in the literature in individuals with NF1-related conditions. Algorithms developed to predict the effect of sequence changes on RNA splicing suggest that this variant may create or strengthen a splice site, but this prediction has not been confirmed by published transcriptional studies. In summary, the available evidence is currently insufficient to determine the role of this variant in disease. Therefore, it has been classified as a Variant of Uncertain Significance.